The following is an entry in ClinVar:

NM_002439.5(MSH3):c.889C>G (p.Leu297Val)

Gene: MSH3 (mutS homolog 3; plus strand). Cytogenetic location: 5q14.1.
Variant type: single nucleotide variant.
Coding change: c.889C>G on transcript NM_002439.5 (MANE Select); coding-DNA position 889, C replaced by G.
Protein change: p.Leu297Val; replaces leucine 297 with valine.
Molecular consequence: missense variant.
Genome position (GRCh38, 1-based): chr5:80,672,340, C>G. VCF-style: chr5-80672340-C-G. GRCh37 (hg19) VCF-style: chr5-79968159-C-G.
Other names: short protein forms L297V.
Identifiers: ClinVar variation 648332 (VCV000648332.10), dbSNP rs1299382957, ClinGen allele CA360267256.

ClinVar aggregate classification (germline): Uncertain significance. Review status: criteria provided, multiple submitters, no conflicts (2 of 4 stars). 3 submissions from 3 submitters: Uncertain significance (3). Last evaluated 2025-12-21.

Conditions:
Hereditary cancer-predisposing syndrome. Also called: Neoplastic Syndromes, Hereditary; Tumor predisposition; Hereditary Cancer Syndrome; Hereditary neoplastic syndrome. Identifiers: Orphanet 140162, MedGen C0027672, MeSH D009386, MONDO:0015356.

Allele frequency attached by ClinVar (database versions not stated): gnomAD exomes below 0.00001.
gnomAD v4.1: 3 of 1,613,620 alleles (0.00019%); highest among the groups gnomAD compares: Non-Finnish European, 0.00025%; no homozygotes.

Submissions (3):

Labcorp Genetics (formerly Invitae), Labcorp
Classification: Uncertain significance. Last evaluated: 2025-12-21. Review status: criteria provided, single submitter. Criteria: Invitae Variant Classification Sherloc (09022015). Collection method: clinical testing. Allele origin: germline.
Comment: This sequence change replaces leucine, which is neutral and non-polar, with valine, which is neutral and non-polar, at codon 297 of the MSH3 protein (p.Leu297Val). This variant is present in population databases (no rsID available, gnomAD 0.0009%). This variant has not been reported in the literature in individuals affected with MSH3-related conditions. ClinVar contains an entry for this variant (Variation ID: 648332). An algorithm developed to predict the effect of missense changes on protein structure and function (PolyPhen-2) suggests that this variant is likely to be disruptive. In summary, the available evidence is currently insufficient to determine the role of this variant in disease. Therefore, it has been classified as a Variant of Uncertain Significance.

Ambry Genetics
Classification: Uncertain significance for Hereditary cancer-predisposing syndrome. Last evaluated: 2024-03-13. Review status: criteria provided, single submitter. Criteria: Ambry Variant Classification Scheme 2023. Collection method: clinical testing. Allele origin: germline.
Comment: The p.L297V variant (also known as c.889C>G), located in coding exon 5 of the MSH3 gene, results from a C to G substitution at nucleotide position 889. The leucine at codon 297 is replaced by valine, an amino acid with highly similar properties. This amino acid position is highly conserved in available vertebrate species. In addition, this alteration is predicted to be deleterious by in silico analysis. Since supporting evidence is limited at this time, the clinical significance of this alteration remains unclear.

Quest Diagnostics Nichols Institute San Juan Capistrano
Classification: Uncertain significance. Last evaluated: 2023-05-10. Review status: criteria provided, single submitter. Criteria: Quest Diagnostics criteria. Collection method: clinical testing. Allele origin: unknown.
Comment: The variant has not been reported in the published literature. The frequency of this variant in the general population, 0.000004 (1/251430 chromosomes), is uninformative in assessment of its pathogenicity. Analysis of this variant using bioinformatics tools for the prediction of the effect of amino acid changes on protein structure and function yielded predictions that this variant is damaging. Based on the available information, we are unable to determine the clinical significance of this variant.